The following is an entry in ClinVar:

NM_001374353.1(GLI2):c.476A>C (p.Lys159Thr)

Gene: GLI2 (GLI family zinc finger 2; plus strand). Cytogenetic location: 2q14.2.
Variant type: single nucleotide variant.
Coding change: c.476A>C on transcript NM_001374353.1 (MANE Select); coding-DNA position 476, A replaced by C.
Protein change: p.Lys159Thr; replaces lysine 159 with threonine.
Molecular consequence: missense variant.
Genome position (GRCh38, 1-based): chr2:120,955,263, A>C. VCF-style: chr2-120955263-A-C. GRCh37 (hg19) VCF-style: chr2-121712839-A-C.
Other names: c.476A>C, p.Lys159Thr (NM_001371271.1, NM_005270.5); c.101A>C, p.Lys34Thr (NM_001374354.1); short protein forms K159T, K34T.
Identifiers: ClinVar variation 4755773 (VCV004755773.2).

ClinVar aggregate classification (germline): Uncertain significance (1 of 4 stars; one submission).

Submission:

GeneDx
Classification: Uncertain significance. Last evaluated: 2026-07-27. Review status: criteria provided, single submitter. Criteria: GeneDx Variant Classification Process June 2021. Collection method: clinical testing. Allele origin: germline.
Comment: Not observed at significant frequency in large population cohorts (gnomAD); In silico analysis supports that this missense variant has a deleterious effect on protein structure/function; Has not been previously published as pathogenic or benign to our knowledge